The following is an entry in ClinVar:

ClinVar aggregate classification (germline): Pathogenic/Likely pathogenic. Review status: criteria provided, multiple submitters, no conflicts (2 of 4 stars). 2 submissions from 2 submitters: Pathogenic (1); Likely pathogenic (1). Last evaluated 2017-09-07.

Conditions:
Breast neoplasm. Also called: Neoplasm of breast; Breast tumor; Neoplasm of the breast; Breast Neoplasms. Identifiers: MedGen C1458155, MeSH D001943, MONDO:0021100, HP:0100013. Disease mechanism: gain of function.

Allele frequency attached by ClinVar (database versions not stated): gnomAD exomes below 0.00001.
gnomAD v4.1: 1 of 1,611,534 alleles (0.000062%); highest among the groups gnomAD compares: Non-Finnish European, 0.000085%; no homozygotes.

Submissions (2):

GeneDx
Classification: Likely pathogenic. Last evaluated: 2017-09-07. Review status: criteria provided, single submitter. Criteria: GeneDx Variant Classification (06012015). Collection method: clinical testing. Allele origin: germline. Affected: yes.
Comment: This variant is denoted ATM c.6312G>A at the cDNA level and p.Trp2104Ter (W2104X) at the protein level. The substitution creates a nonsense variant, which changes a Tryptophan to a premature stop codon (TGG>TGA), and is predicted to cause loss of normal protein function through either protein truncation or nonsense-mediated mRNA decay. Although this variant has not, to our knowledge, been reported in the literature, it is considered likely pathogenic.

Yang An-Suei Laboratory, Academia Sinica
Classification: Pathogenic for breast cancer. Review status: criteria provided, single submitter. Criteria: Submitter's publication. Collection method: clinical testing. Allele origin: germline. Affected: yes.

NM_000051.4(ATM):c.6312G>A (p.Trp2104Ter)

Genes: ATM (ATM serine/threonine kinase; plus strand), C11orf65 (chromosome 11 open reading frame 65; minus strand). Cytogenetic location: 11q22.3.
Variant type: single nucleotide variant.
Coding change: c.6312G>A on transcript NM_000051.4 (MANE Select); coding-DNA position 6312, G replaced by A.
Protein change: p.Trp2104Ter; replaces tryptophan 2104 with a stop codon.
Molecular consequence: nonsense. On other transcripts: intron variant (2).
Genome position (GRCh38, 1-based): chr11:108,317,486, G>A. VCF-style: chr11-108317486-G-A. GRCh37 (hg19) VCF-style: chr11-108188213-G-A.
Other names: c.6312G>A, p.Trp2104Ter (NM_001351834.2); c.641-8415C>T (NM_001330368.2); c.*39-8415C>T (NM_001351110.2); short protein forms W2104*.
Identifiers: ClinVar variation 430593 (VCV000430593.4), dbSNP rs1555114766, ClinGen allele CA382552161.
Genomic context (GRCh38, chr11:108,317,486, plus strand): 5'-GGATTATGAAAATAAAGACTGGTGTCCTGAACTAGAAGAACTTCATTACCAAGCAGCATG[G>A]AGGAATATGCAGTGGGACCATTGCACTTCCGTCAGGTAAGAAATTTGACTTGATTTTTTT-3'